The following is an entry in ClinVar:

NM_024577.4(SH3TC2):c.620C>G (p.Ser207Ter)

Gene: SH3TC2 (SH3 domain and tetratricopeptide repeats 2; minus strand). Cytogenetic location: 5q32.
Variant type: single nucleotide variant.
Coding change: c.620C>G on transcript NM_024577.4 (MANE Select); coding-DNA position 620, C replaced by G.
Protein change: p.Ser207Ter; replaces serine 207 with a stop codon.
Molecular consequence: nonsense.
Genome position (GRCh38, 1-based): chr5:149,041,527, G>C on the plus strand (C>G on the coding strand, the complement: SH3TC2 is on the minus strand). VCF-style: chr5-149041527-G-C. GRCh37 (hg19) VCF-style: chr5-148421090-G-C.
Other names: short protein forms S207*.
Identifiers: ClinVar variation 1457295 (VCV001457295.7), dbSNP rs1754371447, ClinGen allele CA361674611.

ClinVar aggregate classification (germline): Pathogenic. Review status: criteria provided, multiple submitters, no conflicts (2 of 4 stars). 2 submissions from 2 submitters: Pathogenic (2). Last evaluated 2025-02-12.

Conditions:
Charcot-Marie-Tooth disease type 4. Also called: Charcot-Marie-Tooth disease, type IV; Charcot-Marie-Tooth, Type 4. Identifiers: Orphanet 64749, MedGen C4082197, MONDO:0018995.
Charcot-Marie-Tooth disease type 4C (CMT4C). Also called: CHARCOT-MARIE-TOOTH DISEASE, DEMYELINATING, AUTOSOMAL RECESSIVE, TYPE 4C; Charcot-Marie-Tooth Neuropathy Type 4C (CMT4C); SH3TC2-Related Hereditary Motor and Sensory Neuropathy; CHARCOT-MARIE-TOOTH DISEASE, DEMYELINATING, TYPE 4C; CMT 4C. Identifiers: Orphanet 99949, MedGen C1866636, MONDO:0011113, OMIM 601596.

Submissions (2):

3billion
Classification: Pathogenic for Charcot-Marie-Tooth disease type 4C. Last evaluated: 2025-02-12. Review status: criteria provided, single submitter. Criteria: ACMG Guidelines, 2015. Collection method: clinical testing. Allele origin: germline. Affected: yes.
Comment: The variant is not observed in the gnomAD v4.1.0 dataset. Predicted Consequence/Location: Stop-gained (nonsense): predicted to result in a loss or disruption of normal protein function through nonsense-mediated decay (NMD) or protein truncation. Multiple pathogenic variants are reported downstream of the variant. The variant has been reported to be associated with SH3TC2-related disorder (ClinVar ID: VCV001457295). Therefore, this variant is classified as Pathogenic according to the recommendation of ACMG/AMP guideline.

Labcorp Genetics (formerly Invitae), Labcorp
Classification: Pathogenic for Charcot-Marie-Tooth disease type 4. Last evaluated: 2020-11-17. Review status: criteria provided, single submitter. Criteria: Invitae Variant Classification Sherloc (09022015). Collection method: clinical testing. Allele origin: germline.
Comment: For these reasons, this variant has been classified as Pathogenic. This variant has not been reported in the literature in individuals with SH3TC2-related conditions. This variant is not present in population databases (ExAC no frequency). This sequence change creates a premature translational stop signal (p.Ser207*) in the SH3TC2 gene. It is expected to result in an absent or disrupted protein product. Loss-of-function variants in SH3TC2 are known to be pathogenic (PMID: 20220177, 27068304).

Literature cited by the submitters: PubMed 20220177 (cited by Labcorp Genetics (formerly Invitae), Labcorp); PubMed 27068304 (cited by Labcorp Genetics (formerly Invitae), Labcorp).